The following is an entry in ClinVar:

ClinVar aggregate classification (germline): Pathogenic (1 of 4 stars; one submission).

Conditions:
Brain small vessel disease 1 with or without ocular anomalies (BSVD1). Also called: PORENCEPHALY, TYPE 1, AUTOSOMAL DOMINANT; BRAIN SMALL VESSEL DISEASE WITH HEMORRHAGE; GOULD SYNDROME 1; Brain small vessel disease with or without ocular anomalies. Identifiers: Orphanet 2940, Orphanet 36383, Orphanet 99810, MedGen C4755307, MONDO:0008289, OMIM 175780.

Submission:

Wales Gene Park, Division Of Cancer and Genetics, Cardiff University
Classification: Pathogenic for Brain small vessel disease 1 with or without ocular anomalies. Last evaluated: 2026-04-28. Review status: criteria provided, single submitter. Criteria: ACGS Best Practice Guidelines for Variant Classification in Rare Disease 2024. Collection method: research. Allele origin: de novo. Inheritance: Autosomal dominant inheritance. Affected: yes. Study: 100,000 Genomes Project (Wales).
Comment: De novo COL4A1 missense variant detected by trio genome sequencing. Not in gnomAD (v4.1.1). REVEL score 0.9. Constrained gene (gnomAD missense Z score 5.18). Variant located at a conserved glycine in the collagen triple helix. Evidence codes: PM2, PP3, PP2, PS2_moderate, PM1_strong.

NM_001845.6(COL4A1):c.1853G>C (p.Gly618Ala)

Gene: COL4A1 (collagen type IV alpha 1 chain; minus strand). Cytogenetic location: 13q34.
Variant type: single nucleotide variant.
Coding change: c.1853G>C on transcript NM_001845.6 (MANE Select); coding-DNA position 1853, G replaced by C.
Protein change: p.Gly618Ala; replaces glycine 618 with alanine.
Molecular consequence: missense variant.
Genome position (GRCh38, 1-based): chr13:110,186,429, C>G on the plus strand (G>C on the coding strand, the complement: COL4A1 is on the minus strand). VCF-style: chr13-110186429-C-G. GRCh37 (hg19) VCF-style: chr13-110838776-C-G.
Other names: short protein forms G618A.
Identifiers: ClinVar variation 4880208 (VCV004880208.1).